The following is an entry in ClinVar:

NM_001458.5(FLNC):c.1579G>C (p.Glu527Gln)

Gene: FLNC (filamin C; plus strand). Cytogenetic location: 7q32.1.
Variant type: single nucleotide variant.
Coding change: c.1579G>C on transcript NM_001458.5 (MANE Select); coding-DNA position 1579, G replaced by C.
Protein change: p.Glu527Gln; replaces glutamic acid 527 with glutamine.
Molecular consequence: missense variant.
Genome position (GRCh38, 1-based): chr7:128,840,577, G>C. VCF-style: chr7-128840577-G-C. GRCh37 (hg19) VCF-style: chr7-128480631-G-C.
Other names: c.1579G>C, p.Glu527Gln (NM_001127487.2); short protein forms E527Q.
Identifiers: ClinVar variation 5021942 (VCV005021942.1).

ClinVar aggregate classification (germline): Uncertain significance (1 of 4 stars; one submission).

Conditions:
Cardiovascular phenotype. Identifiers: MedGen CN230736.

gnomAD v4.1: 2 of 1,614,244 alleles (0.00012%); highest among the groups gnomAD compares: Non-Finnish European, 0.00017%; no homozygotes.

Submission:

Ambry Genetics
Classification: Uncertain significance for Cardiovascular phenotype. Last evaluated: 2026-07-06. Review status: criteria provided, single submitter. Criteria: Ambry Variant Classification Scheme 2023. Collection method: clinical testing. Allele origin: germline.
Comment: The p.E527Q variant (also known as c.1579G>C), located in coding exon 10 of the FLNC gene, results from a G to C substitution at nucleotide position 1579. The glutamic acid at codon 527 is replaced by glutamine, an amino acid with highly similar properties. This amino acid position is conserved. In addition, this alteration is predicted to be tolerated by in silico analysis. Based on the available evidence, the clinical significance of this variant remains unclear.